The following is an entry in ClinVar:

ClinVar aggregate classification (germline): Uncertain significance (1 of 4 stars; one submission).

gnomAD v4.1: 56 of 1,610,726 alleles (0.0035%); highest among the groups gnomAD compares: Non-Finnish European, 0.0045%; no homozygotes.

Submission:

GeneDx
Classification: Uncertain significance. Last evaluated: 2026-03-31. Review status: criteria provided, single submitter. Criteria: GeneDx Variant Classification Process June 2021. Collection method: clinical testing. Allele origin: germline.
Comment: Not observed at significant frequency in large population cohorts (gnomAD); In silico analysis suggests that this missense variant does not alter protein structure/function; Has not been previously published as pathogenic or benign to our knowledge

NM_005548.3(KARS1):c.1754C>T (p.Thr585Ile)

Gene: KARS1 (lysyl-tRNA synthetase 1; minus strand). Cytogenetic location: 16q23.1.
Variant type: single nucleotide variant.
Coding change: c.1754C>T on transcript NM_005548.3 (MANE Select); coding-DNA position 1754, C replaced by T.
Protein change: p.Thr585Ile; replaces threonine 585 with isoleucine.
Molecular consequence: missense variant.
Genome position (GRCh38, 1-based): chr16:75,627,935, G>A on the plus strand (C>T on the coding strand, the complement: KARS1 is on the minus strand). VCF-style: chr16-75627935-G-A. GRCh37 (hg19) VCF-style: chr16-75661833-G-A.
Other names: c.1838C>T, p.Thr613Ile (NM_001130089.2); c.1286C>T, p.Thr429Ile (NM_001378148.1); short protein forms T429I, T585I, T613I.
Identifiers: ClinVar variation 5017130 (VCV005017130.1).